The following is an entry in ClinVar:

NM_000393.5(COL5A2):c.3932A>T (p.Tyr1311Phe)

Gene: COL5A2 (collagen type V alpha 2 chain; minus strand). Cytogenetic location: 2q32.2.
Variant type: single nucleotide variant.
Coding change: c.3932A>T on transcript NM_000393.5 (MANE Select); coding-DNA position 3932, A replaced by T.
Protein change: p.Tyr1311Phe; replaces tyrosine 1311 with phenylalanine.
Molecular consequence: missense variant.
Genome position (GRCh38, 1-based): chr2:189,036,797, T>A on the plus strand (A>T on the coding strand, the complement: COL5A2 is on the minus strand). VCF-style: chr2-189036797-T-A. GRCh37 (hg19) VCF-style: chr2-189901523-T-A.
Other names: short protein forms Y1311F.
Identifiers: ClinVar variation 3764293 (VCV003764293.2).
Genomic context (GRCh38, chr2:189,036,797, plus strand): 5'-TCCATGTTGCAGTAAACTTTGATTGCATCTTCAACAGATCCTTGGTTAGGATCAATCCAG[T>A]ATTCACCTATTTTTCAAAATAGAAATTTTACTAAATAAAGACAATCTCAATCATGACTAT-3'
Protein context (NP_000384.2, residues 1301-1321): LCHSAKQSGE[Tyr1311Phe]WIDPNQGSVE

ClinVar aggregate classification (germline): Uncertain significance (1 of 4 stars; one submission).

Submission:

GeneDx
Classification: Uncertain significance. Last evaluated: 2025-08-04. Review status: criteria provided, single submitter. Criteria: GeneDx Variant Classification Process June 2021. Collection method: clinical testing. Allele origin: germline.
Comment: Not observed at significant frequency in large population cohorts (gnomAD); In silico analysis supports that this missense variant has a deleterious effect on protein structure/function; Has not been previously published as pathogenic or benign to our knowledge; Not located in the triple helical region, where the majority of pathogenic missense variants occur (PMID: 22696272; HGMD); This variant is associated with the following publications: (PMID: 22696272)